The following is an entry in ClinVar:

ClinVar aggregate classification (germline): Uncertain significance (1 of 4 stars; one submission).

gnomAD v4.1: 2 of 1,613,906 alleles (0.00012%); highest among the groups gnomAD compares: South Asian, 0.0022%; no homozygotes.

Submission:

Ambry Genetics
Classification: Uncertain significance. Last evaluated: 2025-09-01. Review status: criteria provided, single submitter. Criteria: Ambry Variant Classification Scheme 2023. Collection method: clinical testing. Allele origin: germline.
Comment: The p.I109T variant (also known as c.326T>C), located in coding exon 5 of the FAM175A gene, results from a T to C substitution at nucleotide position 326. The isoleucine at codon 109 is replaced by threonine, an amino acid with similar properties. This amino acid position is conserved. In addition, this alteration is predicted to be tolerated by in silico analysis. Based on the available evidence, the clinical significance of this variant remains unclear.

NM_139076.3(ABRAXAS1):c.326T>C (p.Ile109Thr)

Gene: ABRAXAS1 (abraxas 1, BRCA1 A complex subunit; minus strand). Cytogenetic location: 4q21.23.
Variant type: single nucleotide variant.
Coding change: c.326T>C on transcript NM_139076.3 (MANE Select); coding-DNA position 326, T replaced by C.
Protein change: p.Ile109Thr; replaces isoleucine 109 with threonine.
Molecular consequence: missense variant. On other transcripts: 5 prime UTR variant (1).
Genome position (GRCh38, 1-based): chr4:83,470,353, A>G on the plus strand (T>C on the coding strand, the complement: ABRAXAS1 is on the minus strand). VCF-style: chr4-83470353-A-G. GRCh37 (hg19) VCF-style: chr4-84391506-A-G.
Other names: c.-2T>C (NM_001345962.2); short protein forms I109T.
Identifiers: ClinVar variation 4186237 (VCV004186237.1).
Genomic context (GRCh38, chr4:83,470,353, plus strand): 5'-TCTTGGTTTGAAAAATGCTCCTGCAAGTTTTTGTGAAGCAGCCTCTCTCTAAACGTCATG[A>G]TCTGATCTGAATGACGACGGAATTTGTACCAACCTACCACATTCTGAAATACAGAATAAA-3'
Protein context (NP_620775.2, residues 99-119): WYKFRRHSDQ[Ile109Thr]MTFRERLLHK